The following is an entry in ClinVar:

NM_014425.5(INVS):c.2444G>A (p.Arg815Gln)

Gene: INVS (inversin; plus strand). Cytogenetic location: 9q31.1.
Variant type: single nucleotide variant.
Coding change: c.2444G>A on transcript NM_014425.5 (MANE Select); coding-DNA position 2444, G replaced by A.
Protein change: p.Arg815Gln; replaces arginine 815 with glutamine.
Molecular consequence: missense variant. On other transcripts: non-coding transcript variant (1).
Genome position (GRCh38, 1-based): chr9:100,292,701, G>A. VCF-style: chr9-100292701-G-A. GRCh37 (hg19) VCF-style: chr9-103054983-G-A.
Other names: c.2156G>A, p.Arg719Gln (NM_001318381.2); c.1466G>A, p.Arg489Gln (NM_001318382.2); c.2444G>A (NM_014425.2); short protein forms R815Q, R489Q, R719Q.
Identifiers: ClinVar variation 502736 (VCV000502736.10), dbSNP rs200477298, ClinGen allele CA5158629.

ClinVar aggregate classification (germline): Uncertain significance. Review status: criteria provided, multiple submitters, no conflicts (2 of 4 stars). 4 submissions from 4 submitters: Uncertain significance (4). Last evaluated 2024-02-27.

Conditions:
Inborn genetic diseases. Identifiers: MedGen C0950123, MeSH D030342.
Nephronophthisis. Also called: Juvenile Nephronophthisis. Identifiers: Orphanet 655, MedGen C0687120, MONDO:0019005, HP:0000090.

Allele frequency attached by ClinVar (database versions not stated): ExAC 0.00005; gnomAD exomes 0.00005; gnomAD 0.00006; TOPMed 0.00006; 1000 Genomes Project 30x 0.00016; 1000 Genomes Project 0.00020.
gnomAD v4.1: 125 of 1,612,584 alleles (0.0078%); highest among the groups gnomAD compares: East Asian, 0.011%; no homozygotes.

Submissions (4):

Blueprint Genetics
Classification: Uncertain significance. Last evaluated: 2024-02-27. Review status: criteria provided, single submitter. Criteria: ACMG Guidelines, 2015. Collection method: clinical testing. Allele origin: germline.

Ambry Genetics
Classification: Uncertain significance for Inborn genetic diseases. Last evaluated: 2023-12-19. Review status: criteria provided, single submitter. Criteria: Ambry Variant Classification Scheme 2023. Collection method: clinical testing. Allele origin: germline.

Labcorp Genetics (formerly Invitae), Labcorp
Classification: Uncertain significance for Nephronophthisis. Last evaluated: 2022-07-01. Review status: criteria provided, single submitter. Criteria: Invitae Variant Classification Sherloc (09022015). Collection method: clinical testing. Allele origin: germline.
Comment: This sequence change replaces arginine, which is basic and polar, with glutamine, which is neutral and polar, at codon 815 of the INVS protein (p.Arg815Gln). This variant is present in population databases (rs200477298, gnomAD 0.009%). This variant has not been reported in the literature in individuals affected with INVS-related conditions. ClinVar contains an entry for this variant (Variation ID: 502736). Algorithms developed to predict the effect of missense changes on protein structure and function (SIFT, PolyPhen-2, Align-GVGD) all suggest that this variant is likely to be tolerated. In summary, the available evidence is currently insufficient to determine the role of this variant in disease. Therefore, it has been classified as a Variant of Uncertain Significance.

Eurofins Ntd Llc (ga)
Classification: Uncertain significance. Last evaluated: 2017-06-27. Review status: criteria provided, single submitter. Criteria: EGL Classification Definitions 2015. Collection method: clinical testing. Allele origin: germline. Observed: 1 variant allele, 1 heterozygote.